The following is an entry in ClinVar:

ClinVar aggregate classification (germline): Uncertain significance. Review status: criteria provided, multiple submitters, no conflicts (2 of 4 stars). 4 submissions from 4 submitters: Uncertain significance (4). Last evaluated 2025-09-23.

Conditions:
Cardiovascular phenotype. Identifiers: MedGen CN230736.
Naxos disease (NXD). Also called: KERATOSIS PALMOPLANTARIS WITH ARRHYTHMOGENIC CARDIOMYOPATHY; MAL DE NAXOS; PALMOPLANTAR KERATODERMA WITH ARRHYTHMOGENIC RIGHT VENTRICULAR CARDIOMYOPATHY AND WOOLLY HAIR; WOOLLY HAIR, PALMOPLANTAR KERATODERMA, AND CARDIAC ABNORMALITIES; CARDIOMYOPATHY, ARRHYTHMOGENIC RIGHT VENTRICULAR, WITH SKIN, HAIR, AND NAIL ABNORMALITIES. Identifiers: Orphanet 34217, MedGen C1832600, MONDO:0011017, OMIM 601214.
Arrhythmogenic right ventricular dysplasia 12. Also called: ARRHYTHMOGENIC RIGHT VENTRICULAR DYSPLASIA, FAMILIAL, 12. Identifiers: MedGen C1969081, MONDO:0012684, OMIM 611528.
Cardiomyopathy (CMYO). Also called: Cardiomyopathies. Identifiers: Orphanet 167848, MedGen C0878544, MONDO:0004994, HP:0001638. Inheritance: Various modes of inheritance.

Allele frequency attached by ClinVar (database versions not stated): gnomAD exomes 0.00001 and 0.00004; TOPMed 0.00002.
gnomAD v4.1: 52 of 1,513,502 alleles (0.0034%); highest among the groups gnomAD compares: Non-Finnish European, 0.0046%; no homozygotes.

Submissions (4):

Labcorp Genetics (formerly Invitae), Labcorp
Classification: Uncertain significance for Arrhythmogenic right ventricular dysplasia 12; Naxos disease. Last evaluated: 2025-09-23. Review status: criteria provided, single submitter. Criteria: Invitae Variant Classification Sherloc (09022015). Collection method: clinical testing. Allele origin: germline.
Comment: This sequence change replaces leucine, which is neutral and non-polar, with arginine, which is basic and polar, at codon 255 of the JUP protein (p.Leu255Arg). This variant is present in population databases (no rsID available, gnomAD 0.002%). This variant has not been reported in the literature in individuals affected with JUP-related conditions. ClinVar contains an entry for this variant (Variation ID: 239108). An algorithm developed to predict the effect of missense changes on protein structure and function (PolyPhen-2) suggests that this variant is likely to be disruptive. In summary, the available evidence is currently insufficient to determine the role of this variant in disease. Therefore, it has been classified as a Variant of Uncertain Significance.

Ambry Genetics
Classification: Uncertain significance for Cardiovascular phenotype. Last evaluated: 2023-10-15. Review status: criteria provided, single submitter. Criteria: Ambry Variant Classification Scheme 2023. Collection method: clinical testing. Allele origin: germline.
Comment: The p.L255R variant (also known as c.764T>G), located in coding exon 4 of the JUP gene, results from a T to G substitution at nucleotide position 764. The leucine at codon 255 is replaced by arginine, an amino acid with dissimilar properties. This amino acid position is conserved. In addition, this alteration is predicted to be deleterious by in silico analysis. Since supporting evidence is limited at this time, the clinical significance of this alteration remains unclear.

CHEO Genetics Diagnostic Laboratory, Children's Hospital of Eastern Ontario
Classification: Uncertain significance for Cardiomyopathy. Last evaluated: 2023-03-22. Review status: criteria provided, single submitter. Criteria: ACMG Guidelines, 2015. Collection method: clinical testing. Allele origin: germline.

Fulgent Genetics
Classification: Uncertain significance for Naxos disease; Arrhythmogenic right ventricular dysplasia 12. Last evaluated: 2021-11-12. Review status: criteria provided, single submitter. Criteria: ACMG Guidelines, 2015. Collection method: clinical testing. Allele origin: unknown.

NM_002230.4(JUP):c.764T>G (p.Leu255Arg)

Gene: JUP (junction plakoglobin; minus strand). Cytogenetic location: 17q21.2.
Variant type: single nucleotide variant.
Coding change: c.764T>G on transcript NM_002230.4 (MANE Select); coding-DNA position 764, T replaced by G.
Protein change: p.Leu255Arg; replaces leucine 255 with arginine.
Molecular consequence: missense variant.
Genome position (GRCh38, 1-based): chr17:41,767,524, A>C on the plus strand (T>G on the coding strand, the complement: JUP is on the minus strand). VCF-style: chr17-41767524-A-C. GRCh37 (hg19) VCF-style: chr17-39923776-A-C.
Other names: c.764T>G, p.Leu255Arg (NM_001352773.2, NM_001352774.2, NM_001352775.2 and 3 more transcripts); short protein forms L255R.
Identifiers: ClinVar variation 239108 (VCV000239108.13), dbSNP rs878854482, ClinGen allele CA10583543.